The following is an entry in ClinVar:

ClinVar aggregate classification (germline): Uncertain significance. Review status: criteria provided, multiple submitters, no conflicts (2 of 4 stars). 2 submissions from 2 submitters: Uncertain significance (2). Last evaluated 2024-10-14.

Conditions:
Charcot-Marie-Tooth disease type 4. Also called: Charcot-Marie-Tooth disease, type IV; Charcot-Marie-Tooth, Type 4. Identifiers: Orphanet 64749, MedGen C4082197, MONDO:0018995.

Allele frequency attached by ClinVar (database versions not stated): TOPMed below 0.00001; gnomAD exomes 0.00001.
gnomAD v4.1: 7 of 1,548,550 alleles (0.00045%); highest among the groups gnomAD compares: Non-Finnish European, 0.00061%; no homozygotes.

Submissions (2):

GeneDx
Classification: Uncertain significance. Last evaluated: 2024-10-14. Review status: criteria provided, single submitter. Criteria: GeneDx Variant Classification Process June 2021. Collection method: clinical testing. Allele origin: germline. Affected: yes.
Comment: Not observed at significant frequency in large population cohorts (gnomAD); In silico analysis indicates that this missense variant does not alter protein structure/function; Has not been previously published as pathogenic or benign to our knowledge

Labcorp Genetics (formerly Invitae), Labcorp
Classification: Uncertain significance for Charcot-Marie-Tooth disease type 4. Last evaluated: 2024-05-20. Review status: criteria provided, single submitter. Criteria: Invitae Variant Classification Sherloc (09022015). Collection method: clinical testing. Allele origin: germline.
Comment: This sequence change replaces glutamic acid, which is acidic and polar, with lysine, which is basic and polar, at codon 235 of the PRX protein (p.Glu235Lys). This variant is not present in population databases (gnomAD no frequency). This variant has not been reported in the literature in individuals affected with PRX-related conditions. ClinVar contains an entry for this variant (Variation ID: 1012021). An algorithm developed to predict the effect of missense changes on protein structure and function (PolyPhen-2) suggests that this variant is likely to be disruptive. Algorithms developed to predict the effect of sequence changes on RNA splicing suggest that this variant may create or strengthen a splice site. In summary, the available evidence is currently insufficient to determine the role of this variant in disease. Therefore, it has been classified as a Variant of Uncertain Significance.

NM_181882.3(PRX):c.703G>A (p.Glu235Lys)

Gene: PRX (periaxin; minus strand). Cytogenetic location: 19q13.2.
Variant type: single nucleotide variant.
Coding change: c.703G>A on transcript NM_181882.3 (MANE Select); coding-DNA position 703, G replaced by A.
Protein change: p.Glu235Lys; replaces glutamic acid 235 with lysine.
Molecular consequence: missense variant. On other transcripts: 3 prime UTR variant (1).
Genome position (GRCh38, 1-based): chr19:40,397,649, C>T on the plus strand (G>A on the coding strand, the complement: PRX is on the minus strand). VCF-style: chr19-40397649-C-T. GRCh37 (hg19) VCF-style: chr19-40903556-C-T.
Other names: c.703G>A (NM_181882.2); c.*908G>A (NM_020956.2); short protein forms E235K.
Identifiers: ClinVar variation 1012021 (VCV001012021.9), dbSNP rs2079454238, ClinGen allele CA405899850.
Genomic context (GRCh38, chr19:40,397,649, plus strand): 5'-TGGGGGCTGAGACCTGGGGGACACCCACCTCCGCCCCTGGCAGCCGCGGCCCAACCAGCT[C>T]CACCTGAGGGGCTGTGAAACGAGCTCCTGCAGCCACCTCAGCCTCCACCTTGGCTTTCCT-3'
Protein context (NP_870998.2, residues 225-245): AGARFTAPQV[Glu235Lys]LVGPRLPGAE